The following is an entry in ClinVar:

ClinVar aggregate classification (germline): Benign (1 of 4 stars; one submission).

Conditions:
Melanoma-pancreatic cancer syndrome. Identifiers: Orphanet 404560, MedGen C1838547, MONDO:0011713, OMIM 606719. Disease mechanism: loss of function.

Submission:

Myriad Genetics, Inc.
Classification: Benign for Melanoma-pancreatic cancer syndrome. Last evaluated: 2025-08-12. Review status: criteria provided, single submitter. Criteria: Myriad Autosomal Dominant, Autosomal Recessive and X-Linked Classification Criteria (2023). Collection method: clinical testing. Allele origin: unknown.
Comment: This variant is considered benign. This variant is a silent/synonymous amino acid change and it is not expected to impact splicing.

NM_058195.4(CDKN2A):c.24C>T (p.Thr8=)

Gene: CDKN2A (cyclin dependent kinase inhibitor 2A; minus strand). Cytogenetic location: 9p21.3.
Variant type: single nucleotide variant.
Coding change: c.24C>T on transcript NM_058195.4 (MANE Plus Clinical); coding-DNA position 24, C replaced by T.
Protein change: p.Thr8=; no amino-acid change (threonine 8 retained).
Molecular consequence: synonymous variant. On other transcripts: intron variant (1).
Genome position (GRCh38, 1-based): chr9:21,994,308, G>A on the plus strand (C>T on the coding strand, the complement: CDKN2A is on the minus strand). VCF-style: chr9-21994308-G-A. GRCh37 (hg19) VCF-style: chr9-21994307-G-A.
Other names: c.-4+513C>T (NM_001363763.2).
Identifiers: ClinVar variation 4294176 (VCV004294176.1).